The following is an entry in ClinVar:

ClinVar aggregate classification (germline): Uncertain significance (1 of 4 stars; one submission).

Submission:

Genetic Services Laboratory, University of Chicago
Classification: Uncertain significance. Last evaluated: 2021-02-03. Review status: criteria provided, single submitter. Criteria: ACMG Guidelines, 2015. Collection method: clinical testing. Allele origin: germline. Affected: no.
Comment: DNA sequence analysis of the ALAS2 gene demonstrated a sequence change, c.1192G>A, in exon 9 that results in an amino acid change, p.Gly398Ser. This sequence change does not appear to have been previously described in patients with ALAS2-related disorders, however, a different sequence change affecting the same amino acid residue (p.Gly398Asp) has been described in a family with sideroblastic anemia but no other details were provided (PMID: 20848343). This sequence is absent from the large population databases (ExAC and gnomAD). The p.Gly398Ser change affects a highly conserved amino acid residue located in a domain of the ALAS2 protein that is known to be functional. In-silico pathogenicity prediction tools (SIFT, PolyPhen2, Align GVGD, REVEL) provide contradictory results for the p.Gly398Ser substitution. Due to these contrasting evidences and the lack of functional studies, the clinical significance of the p.Gly398Ser change remains unknown at this time.

NM_000032.5(ALAS2):c.1192G>A (p.Gly398Ser)

Gene: ALAS2 (5'-aminolevulinate synthase 2; minus strand). Cytogenetic location: Xp11.21.
Variant type: single nucleotide variant.
Coding change: c.1192G>A on transcript NM_000032.5 (MANE Select); coding-DNA position 1192, G replaced by A.
Protein change: p.Gly398Ser; replaces glycine 398 with serine.
Molecular consequence: missense variant.
Genome position (GRCh38, 1-based): chrX:55,014,992, C>T on the plus strand (G>A on the coding strand, the complement: ALAS2 is on the minus strand). VCF-style: chrX-55014992-C-T. GRCh37 (hg19) VCF-style: chrX-55041425-C-T.
Other names: c.1081G>A, p.Gly361Ser (NM_001037967.4); c.1153G>A, p.Gly385Ser (NM_001037968.4); short protein forms G361S, G385S, G398S.
Identifiers: ClinVar variation 1338562 (VCV001338562.4), dbSNP rs2146716626, ClinGen allele CA413293188.